The following is an entry in ClinVar:

ClinVar aggregate classification (germline): Likely benign. Review status: criteria provided, multiple submitters, no conflicts (2 of 4 stars). 3 submissions from 3 submitters: Likely benign (3). Last evaluated 2026-01-05.

gnomAD v4.1: 15 of 1,611,548 alleles (0.00093%); highest among the groups gnomAD compares: Admixed American, 0.005%; no homozygotes.

Submissions (3):

Labcorp Genetics (formerly Invitae), Labcorp
Classification: Likely benign. Last evaluated: 2026-01-05. Review status: criteria provided, single submitter. Criteria: Invitae Variant Classification Sherloc (09022015). Collection method: clinical testing. Allele origin: germline.

Blueprint Genetics
Classification: Likely benign. Last evaluated: 2024-10-02. Review status: criteria provided, single submitter. Criteria: ACMG Guidelines, 2015. Collection method: clinical testing. Allele origin: germline.

CeGaT Center for Human Genetics Tuebingen
Classification: Likely benign. Last evaluated: 2024-07-01. Review status: criteria provided, single submitter. Criteria: CeGaT Center For Human Genetics Tuebingen Variant Classification Criteria Version 2. Collection method: clinical testing. Allele origin: germline. Affected: yes. Observed: 1 variant allele.
Comment: NSD1: BP4, BP7

NM_022455.5(NSD1):c.7713C>T (p.Ser2571=)

Gene: NSD1 (nuclear receptor binding SET domain protein 1; plus strand). Cytogenetic location: 5q35.3.
Variant type: single nucleotide variant.
Coding change: c.7713C>T on transcript NM_022455.5 (MANE Select); coding-DNA position 7713, C replaced by T.
Protein change: p.Ser2571=; no amino-acid change (serine 2571 retained).
Molecular consequence: synonymous variant.
Genome position (GRCh38, 1-based): chr5:177,295,081, C>T. VCF-style: chr5-177295081-C-T. GRCh37 (hg19) VCF-style: chr5-176722082-C-T.
Other names: c.7713C>T, p.Ser2571= (NM_001409303.1, NM_001409301.1, NM_001409302.1); c.7293C>T, p.Ser2431= (NM_001409304.1); c.6960C>T, p.Ser2320= (NM_001409305.1); c.6951C>T, p.Ser2317= (NM_001409306.1, NM_001409307.1); c.6840C>T, p.Ser2280= (NM_001409308.1, NM_172349.5, NM_001365684.2); c.6591C>T, p.Ser2197= (NM_001409309.1).
Identifiers: ClinVar variation 3257021 (VCV003257021.19).